The following is an entry in ClinVar:

NM_001267550.2(TTN):c.49213G>A (p.Val16405Ile)

Genes: TTN (titin; minus strand), TTN-AS1 (TTN antisense RNA 1; plus strand), LOC126806426 (BRD4-independent group 4 enhancer GRCh37_chr2:179478848-179480047; plus strand). Cytogenetic location: 2q31.2.
Variant type: single nucleotide variant.
Coding change: c.49213G>A on transcript NM_001267550.2 (MANE Select); coding-DNA position 49213, G replaced by A.
Protein change: p.Val16405Ile; replaces valine 16405 with isoleucine.
Molecular consequence: missense variant. On other transcripts: non-coding transcript variant (1).
Genome position (GRCh38, 1-based): chr2:178,614,184, C>T on the plus strand (G>A on the coding strand, the complement: TTN is on the minus strand). VCF-style: chr2-178614184-C-T. GRCh37 (hg19) VCF-style: chr2-179478911-C-T.
Other names: c.44290G>A, p.Val14764Ile (NM_001256850.1); c.22018G>A, p.Val7340Ile (NM_003319.4); c.41509G>A, p.Val13837Ile (NM_133378.4); c.22393G>A, p.Val7465Ile (NM_133432.3); c.22594G>A, p.Val7532Ile (NM_133437.4); short protein forms V16405I, V7340I, V7532I, V13837I, V14764I, V7465I.
Identifiers: ClinVar variation 682088 (VCV000682088.10), dbSNP rs570644860, ClinGen allele CA1994649.
Genomic context (GRCh38, chr2:178,614,184, plus strand): 5'-CTCTGAAGATGTACTCTTTATTGGGGATTAATTTGGTGGCCTTGAAGTTTGTATCCTTGA[C>T]GGTGGATGAGAGCTTGTGCCACACTTCACTATCAGTTGCTCGTCTCTCCACAACATAGTT-3'
Protein context (NP_001254479.2, residues 16395-16415): SEVWHKLSST[Val16405Ile]KDTNFKATKL

ClinVar aggregate classification (germline): Conflicting classifications of pathogenicity. Review status: criteria provided, conflicting classifications (1 of 4 stars). 3 submissions from 3 submitters: Uncertain significance (2); Likely benign (1). Last evaluated 2025-12-19.

Conditions:
Cardiovascular phenotype. Identifiers: MedGen CN230736.
TTN-related disorder. Also called: TTN-related disorders; TTN-related condition; TTN-related disease.

Allele frequency attached by ClinVar (database versions not stated): TOPMed 0.00001; gnomAD 0.00002; gnomAD exomes 0.00003; ExAC 0.00005; 1000 Genomes Project 30x 0.00016; 1000 Genomes Project 0.00020.
gnomAD v4.1: 46 of 1,612,402 alleles (0.0029%); highest among the groups gnomAD compares: East Asian, 0.031%; no homozygotes.

Submissions (3):

PreventionGenetics, part of Exact Sciences
Classification: Uncertain significance for TTN-related condition. Last evaluated: 2025-12-19. Review status: criteria provided, single submitter. Criteria: ACMG Guidelines, 2015. Collection method: clinical testing. Allele origin: germline.
Comment: The TTN c.49213G>A variant is predicted to result in the amino acid substitution p.Val16405Ile. To our knowledge, this variant has not been reported in the literature. This variant is reported in 0.010% of alleles in individuals of East Asian descent in gnomAD. At this time, the clinical significance of this variant is uncertain due to the absence of conclusive functional and genetic evidence.

Ambry Genetics
Classification: Uncertain significance for Cardiovascular phenotype. Last evaluated: 2019-10-17. Review status: criteria provided, single submitter. Criteria: Ambry Variant Classification Scheme 2023. Collection method: clinical testing. Allele origin: germline.
Comment: The p.V7340I variant (also known as c.22018G>A), located in coding exon 89 of the TTN gene, results from a G to A substitution at nucleotide position 22018. The valine at codon 7340 is replaced by isoleucine, an amino acid with highly similar properties. This amino acid position is not well conserved in available vertebrate species. In addition, this alteration is predicted to be tolerated by in silico analysis. Since supporting evidence is limited at this time, the clinical significance of this alteration remains unclear.

GeneDx
Classification: Likely benign. Last evaluated: 2018-04-20. Review status: criteria provided, single submitter. Criteria: GeneDx Variant Classification (06012015). Collection method: clinical testing. Allele origin: germline. Affected: yes.
Comment: This variant is considered likely benign or benign based on one or more of the following criteria: it is a conservative change, it occurs at a poorly conserved position in the protein, it is predicted to be benign by multiple in silico algorithms, and/or has population frequency not consistent with disease.